The following is an entry in ClinVar:

ClinVar aggregate classification (germline): Uncertain significance (1 of 4 stars; one submission).

Allele frequency attached by ClinVar (database versions not stated): gnomAD exomes below 0.00001 and 0.00001; ExAC 0.00001; TOPMed 0.00002.
gnomAD v4.1: 4 of 1,613,658 alleles (0.00025%); highest among the groups gnomAD compares: Admixed American, 0.0067%; no homozygotes.

Submission:

Labcorp Genetics (formerly Invitae), Labcorp
Classification: Uncertain significance. Last evaluated: 2021-07-08. Review status: criteria provided, single submitter. Criteria: Invitae Variant Classification Sherloc (09022015). Collection method: clinical testing. Allele origin: germline.
Comment: This variant is present in population databases (rs773899092, ExAC 0.009%). This sequence change replaces glycine with arginine at codon 999 of the SLC24A1 protein (p.Gly999Arg). The glycine residue is highly conserved and there is a moderate physicochemical difference between glycine and arginine. This variant has not been reported in the literature in individuals affected with SLC24A1-related conditions. Algorithms developed to predict the effect of missense changes on protein structure and function (SIFT, PolyPhen-2, Align-GVGD) all suggest that this variant is likely to be disruptive. In summary, the available evidence is currently insufficient to determine the role of this variant in disease. Therefore, it has been classified as a Variant of Uncertain Significance.

NM_004727.3(SLC24A1):c.2995G>A (p.Gly999Arg)

Gene: SLC24A1 (solute carrier family 24 member 1; plus strand). Cytogenetic location: 15q22.31.
Variant type: single nucleotide variant.
Coding change: c.2995G>A on transcript NM_004727.3 (MANE Select); coding-DNA position 2995, G replaced by A.
Protein change: p.Gly999Arg; replaces glycine 999 with arginine.
Molecular consequence: missense variant.
Genome position (GRCh38, 1-based): chr15:65,652,753, G>A. VCF-style: chr15-65652753-G-A. GRCh37 (hg19) VCF-style: chr15-65945091-G-A.
Other names: c.976G>A, p.Gly326Arg (NM_001254740.2); c.2905G>A, p.Gly969Arg (NM_001301031.1); c.2941G>A, p.Gly981Arg (NM_001301032.1, NM_001301033.2); short protein forms G326R, G969R, G999R, G981R.
Identifiers: ClinVar variation 1349213 (VCV001349213.8), dbSNP rs773899092, ClinGen allele CA7620292.